The following is an entry in ClinVar:

ClinVar aggregate classification (germline): Uncertain significance (1 of 4 stars; one submission).

Conditions:
Immunodeficiency 39 (IMD39). Identifiers: Orphanet 574918, MedGen C4225358, MONDO:0014597, OMIM 616345.

Allele frequency attached by ClinVar (database versions not stated): gnomAD exomes 0.00003; ExAC 0.00005.
gnomAD v4.1: 16 of 1,589,754 alleles (0.001%); highest among the groups gnomAD compares: Non-Finnish European, 0.0012%; no homozygotes.

Submission:

Labcorp Genetics (formerly Invitae), Labcorp
Classification: Uncertain significance for Immunodeficiency 39. Last evaluated: 2022-04-19. Review status: criteria provided, single submitter. Criteria: Invitae Variant Classification Sherloc (09022015). Collection method: clinical testing. Allele origin: germline.
Comment: In summary, the available evidence is currently insufficient to determine the role of this variant in disease. Therefore, it has been classified as a Variant of Uncertain Significance. Algorithms developed to predict the effect of missense changes on protein structure and function output the following: SIFT: "Tolerated"; PolyPhen-2: "Benign"; Align-GVGD: "Class C0". The serine amino acid residue is found in multiple mammalian species, which suggests that this missense change does not adversely affect protein function. This variant has not been reported in the literature in individuals affected with IRF7-related conditions. This variant is present in population databases (rs764365065, gnomAD 0.006%). This sequence change replaces arginine, which is basic and polar, with serine, which is neutral and polar, at codon 421 of the IRF7 protein (p.Arg421Ser).

NM_001572.5(IRF7):c.1224A>T (p.Arg408Ser)

Gene: IRF7 (interferon regulatory factor 7; minus strand). Cytogenetic location: 11p15.5.
Variant type: single nucleotide variant.
Coding change: c.1224A>T on transcript NM_001572.5 (MANE Select); coding-DNA position 1224, A replaced by T.
Protein change: p.Arg408Ser; replaces arginine 408 with serine.
Molecular consequence: missense variant.
Genome position (GRCh38, 1-based): chr11:613,219, T>A on the plus strand (A>T on the coding strand, the complement: IRF7 is on the minus strand). VCF-style: chr11-613219-T-A. GRCh37 (hg19) VCF-style: chr11-613219-T-A.
Other names: c.1137A>T, p.Arg379Ser (NM_004029.4); c.1263A>T, p.Arg421Ser (NM_004031.4); short protein forms R379S, R408S, R421S.
Identifiers: ClinVar variation 2086202 (VCV002086202.4), dbSNP rs764365065, ClinGen allele CA5783546.